The following is an entry in ClinVar:

NM_000944.5(PPP3CA):c.762G>T (p.Arg254Ser)

Gene: PPP3CA (protein phosphatase 3 catalytic subunit alpha; minus strand). Cytogenetic location: 4q24.
Variant type: single nucleotide variant.
Coding change: c.762G>T on transcript NM_000944.5 (MANE Select); coding-DNA position 762, G replaced by T.
Protein change: p.Arg254Ser; replaces arginine 254 with serine.
Molecular consequence: missense variant.
Genome position (GRCh38, 1-based): chr4:101,093,796, C>A on the plus strand (G>T on the coding strand, the complement: PPP3CA is on the minus strand). VCF-style: chr4-101093796-C-A. GRCh37 (hg19) VCF-style: chr4-102014953-C-A.
Other names: c.762G>T, p.Arg254Ser (NM_001130691.2, NM_001130692.2); c.762G>T (NM_000944.4); short protein forms R254S.
Identifiers: ClinVar variation 1686095 (VCV001686095.2), dbSNP rs1334933549, ClinGen allele CA357949117.

ClinVar aggregate classification (germline): Pathogenic/Likely pathogenic. Review status: criteria provided, multiple submitters, no conflicts (2 of 4 stars). 2 submissions from 2 submitters: Pathogenic (1); Likely pathogenic (1). Last evaluated 2024-05-31.

Conditions:
Developmental and epileptic encephalopathy 91. Also called: EPILEPTIC ENCEPHALOPATHY, INFANTILE OR EARLY CHILDHOOD, 1. Identifiers: MedGen C4540199, MONDO:0020630, OMIM 617711.

Submissions (2):

GeneDx
Classification: Likely pathogenic. Last evaluated: 2024-05-31. Review status: criteria provided, single submitter. Criteria: GeneDx Variant Classification Process June 2021. Collection method: clinical testing. Allele origin: germline. Affected: yes.
Comment: De novo variant with confirmed parentage in a patient in published literature from a cohort of individuals with developmental disorders; however, detailed clinical information was not provided (PMID: 33057194); Not observed at significant frequency in large population cohorts (gnomAD); In silico analysis supports that this missense variant has a deleterious effect on protein structure/function; This variant is associated with the following publications: (PMID: 35982159, 30202019, 33057194)

Mendelics
Classification: Pathogenic for Developmental and epileptic encephalopathy 91. Last evaluated: 2022-05-04. Review status: criteria provided, single submitter. Criteria: Mendelics Assertion Criteria 2019. Collection method: clinical testing. Allele origin: germline.